The following is an entry in ClinVar:

ClinVar aggregate classification (germline): Pathogenic (1 of 4 stars; one submission).

Conditions:
Galactosylceramide beta-galactosidase deficiency. Also called: Leukodystrophy, Globoid Cell; Krabbe Disease; GALACTOCEREBROSIDASE DEFICIENCY; GALC DEFICIENCY; GLOBOID CELL LEUKOENCEPHALOPATHY. Identifiers: Orphanet 487, MedGen C0023521, MONDO:0009499, OMIM 245200.

Submission:

Labcorp Genetics (formerly Invitae), Labcorp
Classification: Pathogenic for Galactosylceramide beta-galactosidase deficiency. Last evaluated: 2022-01-22. Review status: criteria provided, single submitter. Criteria: Invitae Variant Classification Sherloc (09022015). Collection method: clinical testing. Allele origin: germline.
Comment: For these reasons, this variant has been classified as Pathogenic. Studies have shown that disruption of this splice site results in activation of a cryptic splice site and introduces a premature termination codon (PMID: 20886637). The resulting mRNA is expected to undergo nonsense-mediated decay. Disruption of this splice site has been observed in individual(s) with Krabbe disease (PMID: 20886637). This variant is not present in population databases (gnomAD no frequency). This sequence change affects a donor splice site in intron 13 of the GALC gene. RNA analysis indicates that disruption of this splice site induces altered splicing and may result in an absent or disrupted protein product.

Literature cited by the submitters: PubMed 20886637.

NM_000153.4(GALC):c.1489+1G>C

Gene: GALC (galactosylceramidase; minus strand). Cytogenetic location: 14q31.3.
Variant type: single nucleotide variant.
Coding change: c.1489+1G>C on transcript NM_000153.4 (MANE Select); the canonical splice donor site of the intron after coding-DNA position 1489, G replaced by C.
Molecular consequence: splice donor variant.
Genome position (GRCh38, 1-based): chr14:87,947,727, C>G on the plus strand (G>C on the coding strand, the complement: GALC is on the minus strand). VCF-style: chr14-87947727-C-G. GRCh37 (hg19) VCF-style: chr14-88414071-C-G.
Other names: c.1411+1G>C (NM_001201402.2); c.1420+1G>C (NM_001201401.2).
Identifiers: ClinVar variation 2089020 (VCV002089020.4), dbSNP rs2139956292, ClinGen allele CA390746360.